The following is an entry in ClinVar:

NM_001165963.4(SCN1A):c.1109G>A (p.Trp370Ter)

Gene: SCN1A (sodium voltage-gated channel alpha subunit 1; minus strand). Cytogenetic location: 2q24.3.
Variant type: single nucleotide variant.
Coding change: c.1109G>A on transcript NM_001165963.4 (MANE Select); coding-DNA position 1109, G replaced by A.
Protein change: p.Trp370Ter; replaces tryptophan 370 with a stop codon.
Molecular consequence: nonsense. On other transcripts: 5 prime UTR variant (1), non-coding transcript variant (1).
Genome position (GRCh38, 1-based): chr2:166,047,688, C>T on the plus strand (G>A on the coding strand, the complement: SCN1A is on the minus strand). VCF-style: chr2-166047688-C-T. GRCh37 (hg19) VCF-style: chr2-166904198-C-T.
Other names: c.1109G>A, p.Trp370Ter (NM_001165964.3, NM_001202435.3, NM_001353948.2 and 10 more transcripts); c.-1317G>A (NM_001353961.2); short protein forms W370*.
Identifiers: ClinVar variation 1413096 (VCV001413096.7), dbSNP rs2105867367, ClinGen allele CA349071201.

ClinVar aggregate classification (germline): Pathogenic (1 of 4 stars; one submission).

Conditions:
Early-infantile DEE. Also called: Early infantile epileptic encephalopathy; Ohtahara syndrome; Early infantile epileptic encephalopathy with suppression bursts. Identifiers: Orphanet 1934, MedGen C0393706, MONDO:0800491.

Submission:

Labcorp Genetics (formerly Invitae), Labcorp
Classification: Pathogenic for Early-infantile DEE. Last evaluated: 2022-01-14. Review status: criteria provided, single submitter. Criteria: Invitae Variant Classification Sherloc (09022015). Collection method: clinical testing. Allele origin: germline.
Comment: For these reasons, this variant has been classified as Pathogenic. This variant has not been reported in the literature in individuals affected with SCN1A-related conditions. This variant is not present in population databases (gnomAD no frequency). This sequence change creates a premature translational stop signal (p.Trp370*) in the SCN1A gene. It is expected to result in an absent or disrupted protein product. Loss-of-function variants in SCN1A are known to be pathogenic (PMID: 17347258, 18930999).

Literature cited by the submitters: PubMed 17347258; PubMed 18930999.